The following is an entry in ClinVar:

NM_006947.4(SRP72):c.1154C>G (p.Ser385Cys)

Gene: SRP72 (signal recognition particle 72; plus strand). Cytogenetic location: 4q12.
Variant type: single nucleotide variant.
Coding change: c.1154C>G on transcript NM_006947.4 (MANE Select); coding-DNA position 1154, C replaced by G.
Protein change: p.Ser385Cys; replaces serine 385 with cysteine.
Molecular consequence: missense variant. On other transcripts: non-coding transcript variant (1).
Genome position (GRCh38, 1-based): chr4:56,486,392, C>G. VCF-style: chr4-56486392-C-G. GRCh37 (hg19) VCF-style: chr4-57352558-C-G.
Other names: c.971C>G, p.Ser324Cys (NM_001267722.2); short protein forms S324C, S385C.
Identifiers: ClinVar variation 4865127 (VCV004865127.1).

ClinVar aggregate classification (germline): Uncertain significance (1 of 4 stars; one submission).

Submission:

Ambry Genetics
Classification: Uncertain significance. Last evaluated: 2026-04-18. Review status: criteria provided, single submitter. Criteria: Ambry Variant Classification Scheme 2023. Collection method: clinical testing. Allele origin: germline.
Comment: The p.S385C variant (also known as c.1154C>G), located in coding exon 11 of the SRP72 gene, results from a C to G substitution at nucleotide position 1154. The serine at codon 385 is replaced by cysteine, an amino acid with dissimilar properties. This amino acid position is conserved. In addition, this alteration is predicted to be tolerated by in silico analysis. Based on the available evidence, the clinical significance of this variant remains unclear.